The following is an entry in ClinVar:

NM_002067.5(GNA11):c.646T>A (p.Trp216Arg)

Gene: GNA11 (G protein subunit alpha 11; plus strand). Cytogenetic location: 19p13.3.
Variant type: single nucleotide variant.
Coding change: c.646T>A on transcript NM_002067.5 (MANE Select); coding-DNA position 646, T replaced by A.
Protein change: p.Trp216Arg; replaces tryptophan 216 with arginine.
Molecular consequence: missense variant.
Genome position (GRCh38, 1-based): chr19:3,118,964, T>A. VCF-style: chr19-3118964-T-A. GRCh37 (hg19) VCF-style: chr19-3118962-T-A.
Other names: short protein forms W216R.
Identifiers: ClinVar variation 1308838 (VCV001308838.6), dbSNP rs1913995370, ClinGen allele CA403310625.

ClinVar aggregate classification (germline): Uncertain significance. Review status: criteria provided, multiple submitters, no conflicts (2 of 4 stars). 2 submissions from 2 submitters: Uncertain significance (2). Last evaluated 2025-12-09.

Submissions (2):

Labcorp Genetics (formerly Invitae), Labcorp
Classification: Uncertain significance. Last evaluated: 2025-12-09. Review status: criteria provided, single submitter. Criteria: Invitae Variant Classification Sherloc (09022015). Collection method: clinical testing. Allele origin: germline.
Comment: This sequence change replaces tryptophan, which is neutral and slightly polar, with arginine, which is basic and polar, at codon 216 of the GNA11 protein (p.Trp216Arg). This variant is not present in population databases (gnomAD no frequency). This variant has not been reported in the literature in individuals affected with GNA11-related conditions. ClinVar contains an entry for this variant (Variation ID: 1308838). Invitae Evidence Modeling of protein sequence and biophysical properties (such as structural, functional, and spatial information, amino acid conservation, physicochemical variation, residue mobility, and thermodynamic stability) indicates that this missense variant is expected to disrupt GNA11 protein function with a positive predictive value of 80%. In summary, the available evidence is currently insufficient to determine the role of this variant in disease. Therefore, it has been classified as a Variant of Uncertain Significance.

GeneDx
Classification: Uncertain significance. Last evaluated: 2020-01-14. Review status: criteria provided, single submitter. Criteria: GeneDx Variant Classification Process June 2021. Collection method: clinical testing. Allele origin: germline. Affected: yes.
Comment: Not observed in large population cohorts (Lek et al., 2016); In silico analysis, which includes protein predictors and evolutionary conservation, supports a deleterious effect; Has not been previously published as pathogenic or benign to our knowledge